The following is an entry in ClinVar:

ClinVar aggregate classification (germline): Likely benign. Review status: criteria provided, multiple submitters, no conflicts (2 of 4 stars). 3 submissions from 3 submitters: Likely benign (3). Last evaluated 2025-10-02.

Conditions:
Autosomal recessive limb-girdle muscular dystrophy type 2J (LGMDR10). Also called: Limb-girdle muscular dystrophy, type 2J; MUSCULAR DYSTROPHY, LIMB-GIRDLE, AUTOSOMAL RECESSIVE 10. Identifiers: Orphanet 140922, MedGen C1837342, MONDO:0012127, OMIM 608807.
Dilated cardiomyopathy 1G (CMD1G). Identifiers: Orphanet 154, MedGen C1858763, MONDO:0011400, OMIM 604145.

Allele frequency attached by ClinVar (database versions not stated): gnomAD exomes below 0.00001; ExAC 0.00001; gnomAD 0.00001.
gnomAD v4.1: 2 of 1,613,294 alleles (0.00012%); highest among the groups gnomAD compares: Non-Finnish European, 0.00017%; no homozygotes.

Submissions (3):

Labcorp Genetics (formerly Invitae), Labcorp
Classification: Likely benign for Dilated cardiomyopathy 1G; Autosomal recessive limb-girdle muscular dystrophy type 2J. Last evaluated: 2025-10-02. Review status: criteria provided, single submitter. Criteria: Invitae Variant Classification Sherloc (09022015). Collection method: clinical testing. Allele origin: germline.

Blueprint Genetics
Classification: Likely benign. Last evaluated: 2024-02-14. Review status: criteria provided, single submitter. Criteria: ACMG Guidelines, 2015. Collection method: clinical testing. Allele origin: germline.

GeneDx
Classification: Likely benign. Last evaluated: 2017-06-14. Review status: criteria provided, single submitter. Criteria: GeneDx Variant Classification (06012015). Collection method: clinical testing. Allele origin: germline. Affected: yes.
Comment: This variant is considered likely benign or benign based on one or more of the following criteria: it is a conservative change, it occurs at a poorly conserved position in the protein, it is predicted to be benign by multiple in silico algorithms, and/or has population frequency not consistent with disease.

NM_001267550.2(TTN):c.57990G>A (p.Lys19330=)

Genes: TTN (titin; minus strand), TTN-AS1 (TTN antisense RNA 1; plus strand). Cytogenetic location: 2q31.2.
Variant type: single nucleotide variant.
Coding change: c.57990G>A on transcript NM_001267550.2 (MANE Select); coding-DNA position 57990, G replaced by A.
Protein change: p.Lys19330=; no amino-acid change (lysine 19330 retained).
Molecular consequence: synonymous variant.
Genome position (GRCh38, 1-based): chr2:178,594,504, C>T on the plus strand (G>A on the coding strand, the complement: TTN is on the minus strand). VCF-style: chr2-178594504-C-T. GRCh37 (hg19) VCF-style: chr2-179459231-C-T.
Other names: c.53067G>A, p.Lys17689= (NM_001256850.1); c.30795G>A, p.Lys10265= (NM_003319.4); c.50286G>A, p.Lys16762= (NM_133378.4); c.31170G>A, p.Lys10390= (NM_133432.3); c.31371G>A, p.Lys10457= (NM_133437.4).
Identifiers: ClinVar variation 510266 (VCV000510266.3), dbSNP rs773467310, ClinGen allele CA1992952.